The following is an entry in ClinVar:

ClinVar aggregate classification (germline): Uncertain significance. Review status: criteria provided, multiple submitters, no conflicts (2 of 4 stars). 2 submissions from 2 submitters: Uncertain significance (2). Last evaluated 2025-04-08.

Conditions:
Gorlin syndrome. Also called: Basal cell nevus syndrome; Nevoid Basal Cell Carcinoma Syndrome. Identifiers: Orphanet 377, MedGen C0004779, MONDO:0007187.
Medulloblastoma (MDB). Also called: Medulloblastoma, somatic; MEDULLOBLASTOMA PREDISPOSITION SYNDROME. Identifiers: Orphanet 616, MedGen C0025149, MeSH D008527, MONDO:0007959, OMIM 155255, HP:0002885.
Hereditary cancer-predisposing syndrome. Also called: Hereditary Cancer Syndrome; Hereditary neoplastic syndrome; Neoplastic Syndromes, Hereditary; Tumor predisposition. Identifiers: Orphanet 140162, MedGen C0027672, MeSH D009386, MONDO:0015356.

Submissions (2):

Labcorp Genetics (formerly Invitae), Labcorp
Classification: Uncertain significance for Gorlin syndrome; Medulloblastoma. Last evaluated: 2025-04-08. Review status: criteria provided, single submitter. Criteria: Invitae Variant Classification Sherloc (09022015). Collection method: clinical testing. Allele origin: germline.
Comment: This sequence change creates a premature translational stop signal (p.Trp464*) in the SUFU gene. While this is not anticipated to result in nonsense mediated decay, it is expected to disrupt the last 21 amino acid(s) of the SUFU protein. This variant is not present in population databases (gnomAD no frequency). This variant has not been reported in the literature in individuals affected with SUFU-related conditions. ClinVar contains an entry for this variant (Variation ID: 3451127). Experimental studies and prediction algorithms are not available or were not evaluated, and the functional significance of this variant is currently unknown. In summary, the available evidence is currently insufficient to determine the role of this variant in disease. Therefore, it has been classified as a Variant of Uncertain Significance.

Ambry Genetics
Classification: Uncertain significance for Hereditary cancer-predisposing syndrome. Last evaluated: 2024-09-14. Review status: criteria provided, single submitter. Criteria: Ambry Variant Classification Scheme 2023. Collection method: clinical testing. Allele origin: germline.
Comment: The p.W464* variant (also known as c.1392G>A), located in coding exon 12 of the SUFU gene, results from a G to A substitution at nucleotide position 1392. This changes the amino acid from a tryptophan to a stop codon within coding exon 12. This alteration occurs at the 3' terminus of theSUFU gene, is not expected to trigger nonsense-mediated mRNAdecay, and only impacts the last 4% of the protein. The exact functional effect of this alteration is unknown. Based on the available evidence, the clinical significance of this variant remains unclear.

NM_016169.4(SUFU):c.1392G>A (p.Trp464Ter)

Gene: SUFU (SUFU negative regulator of hedgehog signaling; plus strand). Cytogenetic location: 10q24.32.
Variant type: single nucleotide variant.
Coding change: c.1392G>A on transcript NM_016169.4 (MANE Select); coding-DNA position 1392, G replaced by A.
Protein change: p.Trp464Ter; replaces tryptophan 464 with a stop codon.
Molecular consequence: nonsense.
Genome position (GRCh38, 1-based): chr10:102,630,092, G>A. VCF-style: chr10-102630092-G-A. GRCh37 (hg19) VCF-style: chr10-104389849-G-A.
Other names: short protein forms W464*.
Identifiers: ClinVar variation 3451127 (VCV003451127.2).